The following is an entry in ClinVar:

NM_001267550.2(TTN):c.65746C>T (p.Arg21916Trp)

Genes: TTN (titin; minus strand), TTN-AS1 (TTN antisense RNA 1; plus strand). Cytogenetic location: 2q31.2.
Variant type: single nucleotide variant.
Coding change: c.65746C>T on transcript NM_001267550.2 (MANE Select); coding-DNA position 65746, C replaced by T.
Protein change: p.Arg21916Trp; replaces arginine 21916 with tryptophan.
Molecular consequence: missense variant. On other transcripts: non-coding transcript variant (1).
Genome position (GRCh38, 1-based): chr2:178,583,057, G>A on the plus strand (C>T on the coding strand, the complement: TTN is on the minus strand). VCF-style: chr2-178583057-G-A. GRCh37 (hg19) VCF-style: chr2-179447784-G-A.
Other names: c.38551C>T, p.Arg12851Trp (NM_003319.4); c.38926C>T, p.Arg12976Trp (NM_133432.3); c.39127C>T, p.Arg13043Trp (NM_133437.4); c.60823C>T, p.Arg20275Trp (NM_001256850.1); c.58042C>T, p.Arg19348Trp (NM_133378.4); short protein forms R19348W, R21916W, R20275W, R12976W, R12851W, R13043W.
Identifiers: ClinVar variation 165891 (VCV000165891.20), dbSNP rs200155485, ClinGen allele CA178599.
Genomic context (GRCh38, chr2:178,583,057, plus strand): 5'-TGGTATAGTCTCCTGAGTCCTTCCGGTTCACGCTGAATAGCTCCAAGGTGCACAGATTCC[G>A]CTGCATGGCCATCTTTATGCCTTCTGCTGGTTTTAGCAGTGTGCCATCTTTTTTCCAAGA-3'
Protein context (NP_001254479.2, residues 21906-21926): PAEGIKMAMQ[Arg21916Trp]NLCTLELFSV

ClinVar aggregate classification (germline): Conflicting classifications of pathogenicity. Review status: criteria provided, conflicting classifications (1 of 4 stars). 12 submissions from 8 submitters: Uncertain significance (8); Benign (2); Likely benign (2). Last evaluated 2025-09-17.

Conditions:
TTN-related disorder. Also called: TTN-related condition; TTN-related disease; TTN-related disorders.
Dilated cardiomyopathy 1G (CMD1G). Identifiers: Orphanet 154, MedGen C1858763, MONDO:0011400, OMIM 604145.
Autosomal recessive limb-girdle muscular dystrophy type 2J (LGMDR10). Also called: Limb-girdle muscular dystrophy, type 2J; MUSCULAR DYSTROPHY, LIMB-GIRDLE, AUTOSOMAL RECESSIVE 10. Identifiers: Orphanet 140922, MedGen C1837342, MONDO:0012127, OMIM 608807.
Early-onset myopathy with fatal cardiomyopathy (CMYO5). Also called: Salih Myopathy; CONGENITAL MYOPATHY 5 WITH CARDIOMYOPATHY. Identifiers: Orphanet 289377, MedGen C2673677, MONDO:0012714, OMIM 611705. Disease mechanism: loss of function.
Tibial muscular dystrophy (TMD). Also called: UDD MYOPATHY; Tibial muscular dystrophy, tardive; Udd Distal Myopathy – Tibial Muscular Dystrophy. Identifiers: Orphanet 609, MedGen C1838244, MONDO:0010870, OMIM 600334.
Myopathy, myofibrillar, 9, with early respiratory failure (MFM9). Also called: Hereditary myopathy with early respiratory failure; MYOPATHY, PROXIMAL, WITH EARLY RESPIRATORY MUSCLE INVOLVEMENT; Myopathy, distal, with early respiratory failure, autosomal dominant; EDSTROM MYOPATHY. Identifiers: Orphanet 178464, Orphanet 34521, MedGen C1863599, MONDO:0011362, OMIM 603689.

Allele frequency attached by ClinVar (database versions not stated): TOPMed 0.00009; gnomAD 0.00010 and 0.00011; ESP Exome Variant Server 0.00016.
gnomAD v4.1: 110 of 1,610,924 alleles (0.0068%); highest among the groups gnomAD compares: Middle Eastern, 0.016%; 1 homozygote.

Submissions (12):

PreventionGenetics, part of Exact Sciences
Classification: Likely benign for TTN-related condition. Last evaluated: 2025-09-17. Review status: criteria provided, single submitter. Criteria: ACMG Guidelines, 2015. Collection method: clinical testing. Allele origin: germline.
Comment: This variant is classified as likely benign based on ACMG/AMP sequence variant interpretation guidelines (Richards et al. 2015 PMID: 25741868, with internal and published modifications).

Revvity Omics, Revvity
Classification: Uncertain significance. Last evaluated: 2023-06-14. Review status: criteria provided, single submitter. Criteria: ACMG Guidelines, 2015. Collection method: clinical testing. Allele origin: germline.

GeneDx
Classification: Likely benign. Last evaluated: 2018-05-30. Review status: criteria provided, single submitter. Criteria: GeneDx Variant Classification Process June 2021. Collection method: clinical testing. Allele origin: germline. Affected: yes.
Comment: This variant is associated with the following publications: (PMID: 27321809, 23861362)

Eurofins Ntd Llc (ga)
Classification: Uncertain significance. Last evaluated: 2018-03-14. Review status: criteria provided, single submitter. Criteria: EGL ClinVar v180209 classification definitions. Collection method: clinical testing. Allele origin: germline. Observed: 3 variant alleles, 3 heterozygotes.

Illumina Laboratory Services, Illumina
Classification: Uncertain significance for Autosomal recessive limb-girdle muscular dystrophy type 2J. Last evaluated: 2018-01-12. Review status: criteria provided, single submitter. Criteria: ICSL Variant Classification Criteria 13 December 2019. Collection method: clinical testing. Allele origin: germline.

Illumina Laboratory Services, Illumina
Classification: Uncertain significance for Early-onset myopathy with fatal cardiomyopathy. Last evaluated: 2018-01-12. Review status: criteria provided, single submitter. Criteria: ICSL Variant Classification Criteria 13 December 2019. Collection method: clinical testing. Allele origin: germline.

Illumina Laboratory Services, Illumina
Classification: Benign for Tibial muscular dystrophy. Last evaluated: 2018-01-12. Review status: criteria provided, single submitter. Criteria: ICSL Variant Classification Criteria 13 December 2019. Collection method: clinical testing. Allele origin: germline.
Comment: This variant was observed in the ICSL laboratory as part of a predisposition screen in an ostensibly healthy population. It had not been previously curated by ICSL or reported in the Human Gene Mutation Database (HGMD: prior to June 1st, 2018), and was therefore a candidate for classification through an automated scoring system. Utilizing variant allele frequency, disease prevalence and penetrance estimates, and inheritance mode, an automated score was calculated to assess if this variant is too frequent to cause the disease. Based on the score and internal cut-off values, a variant classified as benign is not then subjected to further curation. The score for this variant resulted in a classification of benign for this disease.

Illumina Laboratory Services, Illumina
Classification: Uncertain significance for Dilated cardiomyopathy 1G. Last evaluated: 2018-01-12. Review status: criteria provided, single submitter. Criteria: ICSL Variant Classification Criteria 13 December 2019. Collection method: clinical testing. Allele origin: germline.

Illumina Laboratory Services, Illumina
Classification: Benign for Myopathy, myofibrillar, 9, with early respiratory failure. Last evaluated: 2018-01-12. Review status: criteria provided, single submitter. Criteria: ICSL Variant Classification Criteria 13 December 2019. Collection method: clinical testing. Allele origin: germline.
Comment: the same text as in the submission from Illumina Laboratory Services, Illumina above.

Labcorp Genetics (formerly Invitae), Labcorp
Classification: Uncertain significance for Dilated cardiomyopathy 1G; Autosomal recessive limb-girdle muscular dystrophy type 2J. Last evaluated: 2017-10-12. Review status: criteria provided, single submitter. Criteria: Invitae Variant Classification Sherloc (09022015). Collection method: clinical testing. Allele origin: germline.

Laboratory for Molecular Medicine, Mass General Brigham Personalized Medicine
Classification: Uncertain significance. Last evaluated: 2015-10-15. Review status: criteria provided, single submitter. Criteria: LMM Criteria. Collection method: clinical testing. Allele origin: germline. Observed: 2 variant alleles.
Comment: This variant has been identified in 9/63072 European chromosome s by the Exome Aggregation Consortium (ExAC; dbS NP rs200155485). Computational prediction tools and conservation analysis do not provide strong support for or against an impact to the protein. In summary, the clinical significance of the p.Arg19348Trp variant is uncertain.

Biesecker Lab/Clinical Genomics Section, National Institutes of Health
Classification: Uncertain significance. Last evaluated: 2013-06-24. Review status: criteria provided, single submitter. Criteria: Ng et al. (Circ Cardiovasc Genet. 2013). Collection method: research. Allele origin: unknown. Observed: 1 variant allele. Study: ClinSeq.
Comment: The study set was not selected for affection status in relation to any cancer. Pathogenicity categories were based on literature curation. See Pubmed ID:23861362 for details.

Medical sequencing